The following is an entry in ClinVar:

NM_021927.3(GUF1):c.1442del (p.Pro481fs)

Gene: GUF1 (GTP binding elongation factor GUF1; plus strand). Cytogenetic location: 4p12.
Variant type: Deletion.
Coding change: c.1442del on transcript NM_021927.3 (MANE Select); coding-DNA position 1442, one base deleted (C; older notation c.1442delC).
Protein change: p.Pro481fs; shifts the reading frame from proline 481.
Molecular consequence: frameshift variant.
Genome position (GRCh38, 1-based): chr4:44,690,823, C deleted; the last of 2 consecutive C bases (chr4:44,690,822-44,690,823); deleting either gives the same sequence. VCF-style (leftmost placement, unchanged base first): chr4-44690821-AC-A. GRCh37 (hg19) VCF-style: chr4-44692838-AC-A.
Other names: c.470del, p.Pro157fs (NM_001345867.2, NM_001345869.2); c.1442del, p.Pro481fs (NM_001345868.2); short protein forms P157fs, P481fs.
Identifiers: ClinVar variation 4720505 (VCV004720505.1).
Genomic context (GRCh38, chr4:44,690,821, plus strand): 5'-CCCCGATAAATCAAAAGTAACAGAATATTTGGAGCCAGTTGTTTTGGGCACTATTATCAC[AC>A]CAGATGAATACACTGGAAAAATAATGATGCTTTGCGAGGTATAACTATAATACAATTTAA-3'

ClinVar aggregate classification (germline): Uncertain significance (1 of 4 stars; one submission).

Submission:

Labcorp Genetics (formerly Invitae), Labcorp
Classification: Uncertain significance. Last evaluated: 2025-08-20. Review status: criteria provided, single submitter. Criteria: Invitae Variant Classification Sherloc (09022015). Collection method: clinical testing. Allele origin: germline.
Comment: This sequence change creates a premature translational stop signal (p.Pro481Glnfs*8) in the GUF1 gene. It is expected to result in an absent or disrupted protein product. However, the current clinical and genetic evidence is not sufficient to establish whether loss-of-function variants in GUF1 cause disease. This variant is not present in population databases (gnomAD no frequency). This variant has not been reported in the literature in individuals affected with GUF1-related conditions. Algorithms developed to predict the effect of sequence changes on RNA splicing suggest that this variant may disrupt the consensus splice site. In summary, the available evidence is currently insufficient to determine the role of this variant in disease. Therefore, it has been classified as a Variant of Uncertain Significance.